The following is an entry in ClinVar:

NM_015072.5(TTLL5):c.951A>G (p.Val317=)

Gene: TTLL5 (tubulin tyrosine ligase like 5; plus strand). Cytogenetic location: 14q24.3.
Variant type: single nucleotide variant.
Coding change: c.951A>G on transcript NM_015072.5 (MANE Select); coding-DNA position 951, A replaced by G.
Protein change: p.Val317=; no amino-acid change (valine 317 retained).
Molecular consequence: synonymous variant.
Genome position (GRCh38, 1-based): chr14:75,720,612, A>G. VCF-style: chr14-75720612-A-G. GRCh37 (hg19) VCF-style: chr14-76186955-A-G.
Other names: c.951A>G (NM_015072.4).
Identifiers: ClinVar variation 3022649 (VCV003022649.4), dbSNP rs1389938142, ClinGen allele CA487191611.

ClinVar aggregate classification (germline): Likely benign. Review status: criteria provided, multiple submitters, no conflicts (2 of 4 stars). 2 submissions from 2 submitters: Likely benign (2). Last evaluated 2025-12-15.

Conditions:
TTLL5-related disorder. Also called: TTLL5-related condition.

Allele frequency attached by ClinVar (database versions not stated): TOPMed 0.00003; gnomAD 0.00005; gnomAD exomes 0.00008.
gnomAD v4.1: 126 of 1,613,372 alleles (0.0078%); highest among the groups gnomAD compares: Non-Finnish European, 0.01%; no homozygotes.

Submissions (2):

Labcorp Genetics (formerly Invitae), Labcorp
Classification: Likely benign. Last evaluated: 2025-12-15. Review status: criteria provided, single submitter. Criteria: Invitae Variant Classification Sherloc (09022015). Collection method: clinical testing. Allele origin: germline.

PreventionGenetics, part of Exact Sciences
Classification: Likely benign for TTLL5-related condition. Last evaluated: 2025-08-05. Review status: criteria provided, single submitter. Criteria: ACMG Guidelines, 2015. Collection method: clinical testing. Allele origin: germline.
Comment: This variant is classified as likely benign based on ACMG/AMP sequence variant interpretation guidelines (Richards et al. 2015 PMID: 25741868, with internal and published modifications).